The following is an entry in ClinVar:

NM_203446.3(SYNJ1):c.2849A>G (p.Asn950Ser)

Gene: SYNJ1 (synaptojanin 1; minus strand). Cytogenetic location: 21q22.11.
Variant type: single nucleotide variant.
Coding change: c.2849A>G on transcript NM_203446.3 (MANE Select); coding-DNA position 2849, A replaced by G.
Protein change: p.Asn950Ser; replaces asparagine 950 with serine.
Molecular consequence: missense variant.
Genome position (GRCh38, 1-based): chr21:32,653,313, T>C on the plus strand (A>G on the coding strand, the complement: SYNJ1 is on the minus strand). VCF-style: chr21-32653313-T-C. GRCh37 (hg19) VCF-style: chr21-34025623-T-C.
Other names: c.2849A>G, p.Asn950Ser (NM_001160302.2); c.2834A>G, p.Asn945Ser (NM_001160306.2); c.2966A>G, p.Asn989Ser (NM_003895.4); short protein forms N945S, N950S, N989S.
Identifiers: ClinVar variation 1493357 (VCV001493357.6), dbSNP rs753487763, ClinGen allele CA410072144.
Genomic context (GRCh38, chr21:32,653,313, plus strand): 5'-TCAGAATGGTTTAGAATCAACAAATGCTACCTTACCTCTTTACCATTTAGGCTCAGAACA[T>C]TCAAGGCAGAGCTTCCCTCCAAAAATGTAACCCACATTTTATCTTCTACAAATCTTTAAG-3'
Protein context (NP_982271.3, residues 940-960): VTFLEGSSAL[Asn950Ser]VLSLNGKELL

ClinVar aggregate classification (germline): Uncertain significance (1 of 4 stars; one submission).

Conditions:
Developmental and epileptic encephalopathy, 53. Also called: Epileptic encephalopathy, early infantile, 53. Identifiers: MedGen C4479313, MONDO:0033362, OMIM 617389.
Early-onset Parkinson disease 20. Also called: PARKINSON DISEASE 20, AUTOSOMAL RECESSIVE EARLY-ONSET. Identifiers: Orphanet 391411, MedGen C3809824, MONDO:0014233, OMIM 615530.

Submission:

Labcorp Genetics (formerly Invitae), Labcorp
Classification: Uncertain significance for Developmental and epileptic encephalopathy, 53; Early-onset Parkinson disease 20. Last evaluated: 2022-09-27. Review status: criteria provided, single submitter. Criteria: Invitae Variant Classification Sherloc (09022015). Collection method: clinical testing. Allele origin: germline.
Comment: In summary, the available evidence is currently insufficient to determine the role of this variant in disease. Therefore, it has been classified as a Variant of Uncertain Significance. This sequence change replaces asparagine, which is neutral and polar, with serine, which is neutral and polar, at codon 989 of the SYNJ1 protein (p.Asn989Ser). This variant is not present in population databases (gnomAD no frequency). This variant has not been reported in the literature in individuals affected with SYNJ1-related conditions. ClinVar contains an entry for this variant (Variation ID: 1493357). Advanced modeling of protein sequence and biophysical properties (such as structural, functional, and spatial information, amino acid conservation, physicochemical variation, residue mobility, and thermodynamic stability) performed at Invitae indicates that this missense variant is not expected to disrupt SYNJ1 protein function.